The following is an entry in ClinVar:

NM_000217.3(KCNA1):c.1328G>A (p.Arg443His)

Gene: KCNA1 (potassium voltage-gated channel subfamily A member 1; plus strand). Cytogenetic location: 12p13.32.
Variant type: single nucleotide variant.
Coding change: c.1328G>A on transcript NM_000217.3 (MANE Select); coding-DNA position 1328, G replaced by A.
Protein change: p.Arg443His; replaces arginine 443 with histidine.
Molecular consequence: missense variant.
Genome position (GRCh38, 1-based): chr12:4,912,706, G>A. VCF-style: chr12-4912706-G-A. GRCh37 (hg19) VCF-style: chr12-5021872-G-A.
Other names: c.1328G>A (NM_000217.2); short protein forms R443H.
Identifiers: ClinVar variation 1056962 (VCV001056962.11), dbSNP rs139383685, ClinGen allele CA6399489.

ClinVar aggregate classification (germline): Uncertain significance. Review status: criteria provided, multiple submitters, no conflicts (2 of 4 stars). 3 submissions from 3 submitters: Uncertain significance (3). Last evaluated 2025-08-14.

Conditions:
Inborn genetic diseases. Identifiers: MedGen C0950123, MeSH D030342.
Episodic ataxia type 1 (EA1). Also called: MYOKYMIA WITH PERIODIC ATAXIA; PAROXYSMAL ATAXIA WITH NEUROMYOTONIA, HEREDITARY; ATAXIA, EPISODIC, WITH MYOKYMIA; Episodic ataxia/myokymia syndrome. Identifiers: Orphanet 37612, Orphanet 972, MedGen C1719788, MONDO:0008047, OMIM 160120.

Allele frequency attached by ClinVar (database versions not stated): gnomAD exomes below 0.00001 and 0.00001; gnomAD 0.00001; ExAC 0.00002; TOPMed 0.00002; 1000 Genomes Project 30x 0.00016; 1000 Genomes Project 0.00020.
gnomAD v4.1: 6 of 1,612,756 alleles (0.00037%); highest among the groups gnomAD compares: African/African-American, 0.0054%; no homozygotes.

Submissions (3):

Ambry Genetics
Classification: Uncertain significance for Inborn genetic diseases. Last evaluated: 2025-08-14. Review status: criteria provided, single submitter. Criteria: Ambry Variant Classification Scheme 2023. Collection method: clinical testing. Allele origin: germline.

Fulgent Genetics
Classification: Uncertain significance for Episodic ataxia type 1. Last evaluated: 2024-05-10. Review status: criteria provided, single submitter. Criteria: ACMG Guidelines, 2015. Collection method: clinical testing. Allele origin: germline.

Labcorp Genetics (formerly Invitae), Labcorp
Classification: Uncertain significance for Episodic ataxia type 1. Last evaluated: 2024-01-30. Review status: criteria provided, single submitter. Criteria: Invitae Variant Classification Sherloc (09022015). Collection method: clinical testing. Allele origin: germline.
Comment: This sequence change replaces arginine, which is basic and polar, with histidine, which is basic and polar, at codon 443 of the KCNA1 protein (p.Arg443His). This variant is present in population databases (rs139383685, gnomAD 0.01%). This variant has not been reported in the literature in individuals affected with KCNA1-related conditions. ClinVar contains an entry for this variant (Variation ID: 1056962). Advanced modeling of protein sequence and biophysical properties (such as structural, functional, and spatial information, amino acid conservation, physicochemical variation, residue mobility, and thermodynamic stability) performed at Invitae indicates that this missense variant is not expected to disrupt KCNA1 protein function with a negative predictive value of 95%. In summary, the available evidence is currently insufficient to determine the role of this variant in disease. Therefore, it has been classified as a Variant of Uncertain Significance.